The following is an entry in ClinVar:

NM_001017420.3(ESCO2):c.574C>G (p.Pro192Ala)

Gene: ESCO2 (establishment of sister chromatid cohesion N-acetyltransferase 2; plus strand). Cytogenetic location: 8p21.1.
Variant type: single nucleotide variant.
Coding change: c.574C>G on transcript NM_001017420.3 (MANE Select); coding-DNA position 574, C replaced by G.
Protein change: p.Pro192Ala; replaces proline 192 with alanine.
Molecular consequence: missense variant.
Genome position (GRCh38, 1-based): chr8:27,776,882, C>G. VCF-style: chr8-27776882-C-G. GRCh37 (hg19) VCF-style: chr8-27634399-C-G.
Other names: short protein forms P192A.
Identifiers: ClinVar variation 4712287 (VCV004712287.1).
Genomic context (GRCh38, chr8:27,776,882, plus strand): 5'-TATAAGCCAATTGTGGAGAAGGAAAATAATTGTCATTCAGCTGAAAATAATTCCAATGCT[C>G]CTCGGGTTCTGAGCCAAAAAATAAAACCACAAGTTACACTCCAGGGTGGAGCAGCATTTT-3'
Protein context (NP_001017420.1, residues 182-202): CHSAENNSNA[Pro192Ala]RVLSQKIKPQ

ClinVar aggregate classification (germline): Uncertain significance (1 of 4 stars; one submission).

Submission:

Labcorp Genetics (formerly Invitae), Labcorp
Classification: Uncertain significance. Last evaluated: 2025-02-12. Review status: criteria provided, single submitter. Criteria: Invitae Variant Classification Sherloc (09022015). Collection method: clinical testing. Allele origin: germline.
Comment: This sequence change replaces proline, which is neutral and non-polar, with alanine, which is neutral and non-polar, at codon 192 of the ESCO2 protein (p.Pro192Ala). This variant is not present in population databases (gnomAD no frequency). This variant has not been reported in the literature in individuals affected with ESCO2-related conditions. An algorithm developed to predict the effect of missense changes on protein structure and function (PolyPhen-2) suggests that this variant is likely to be tolerated. In summary, the available evidence is currently insufficient to determine the role of this variant in disease. Therefore, it has been classified as a Variant of Uncertain Significance.